The following is an entry in ClinVar:

ClinVar aggregate classification (germline): Uncertain significance (1 of 4 stars; one submission).

Conditions:
Inborn genetic diseases. Identifiers: MedGen C0950123, MeSH D030342.

Submission:

Ambry Genetics
Classification: Uncertain significance for Inborn genetic diseases. Last evaluated: 2026-05-17. Review status: criteria provided, single submitter. Criteria: Ambry Variant Classification Scheme 2023. Collection method: clinical testing. Allele origin: germline.
Comment: The p.D1901N variant (also known as c.5701G>A), located in coding exon 21 of the FANCM gene, results from a G to A substitution at nucleotide position 5701. The aspartic acid at codon 1901 is replaced by asparagine, an amino acid with highly similar properties. This amino acid position is conserved. In addition, this alteration is predicted to be tolerated by in silico analysis. Based on the available evidence, the clinical significance of this variant remains unclear.

NM_020937.4(FANCM):c.5701G>A (p.Asp1901Asn)

Gene: FANCM (FA complementation group M; plus strand). Cytogenetic location: 14q21.2.
Variant type: single nucleotide variant.
Coding change: c.5701G>A on transcript NM_020937.4 (MANE Select); coding-DNA position 5701, G replaced by A.
Protein change: p.Asp1901Asn; replaces aspartic acid 1901 with asparagine.
Molecular consequence: missense variant.
Genome position (GRCh38, 1-based): chr14:45,196,532, G>A. VCF-style: chr14-45196532-G-A. GRCh37 (hg19) VCF-style: chr14-45665735-G-A.
Other names: c.5623G>A, p.Asp1875Asn (NM_001308133.2); short protein forms D1875N, D1901N.
Identifiers: ClinVar variation 4871146 (VCV004871146.1).